The following is an entry in ClinVar:

ClinVar aggregate classification (germline): Benign. Review status: criteria provided, multiple submitters, no conflicts (2 of 4 stars). 2 submissions from 2 submitters: Benign (2). Last evaluated 2026-02-04.

Submissions (2):

Labcorp Genetics (formerly Invitae), Labcorp
Classification: Benign. Last evaluated: 2026-02-04. Review status: criteria provided, single submitter. Criteria: Invitae Variant Classification Sherloc (09022015). Collection method: clinical testing. Allele origin: germline.

Unidad de Genómica Garrahan, Hospital de Pediatría Garrahan
Classification: Benign. Last evaluated: 2024-07-15. Review status: criteria provided, single submitter. Criteria: ACMG Guidelines, 2015. Collection method: clinical testing. Allele origin: germline. Affected: no. Observed: 32 variant alleles.
Comment: This variant is classified as Benign based on local population frequency. This variant was detected in 34% of patients studied in a panel designed for Epileptic and Developmental Encephalopathy and Progressive Myoclonus Epilepsy. Number of patients: 32. Only high quality variants are reported.

NM_020401.4(NUP107):c.1998+14_1998+15delinsTT

Gene: NUP107 (nucleoporin 107; plus strand). Cytogenetic location: 12q15.
Variant type: Indel.
Coding change: c.1998+14_1998+15delinsTT on transcript NM_020401.4 (MANE Select); bases 14 to 15 of the intron after coding-DNA position 1998, GG replaced by TT.
Molecular consequence: intron variant.
Genome position (GRCh38, 1-based): chr12:68,731,733-68,731,734, GG replaced by TT. VCF-style: chr12-68731733-GG-TT. GRCh37 (hg19) VCF-style: chr12-69125513-GG-TT.
Other names: c.1911+14_1911+15delinsTT (NM_001330192.2).
Identifiers: ClinVar variation 1598863 (VCV001598863.10), dbSNP rs1555179281, ClinGen allele CA919112395.